The following is an entry in ClinVar:

NM_000235.4(LIPA):c.213del (p.Asn72fs)

Gene: LIPA (lipase A, lysosomal acid type; minus strand). Cytogenetic location: 10q23.31.
Variant type: Deletion.
Coding change: c.213del on transcript NM_000235.4 (MANE Select); coding-DNA position 213, one base deleted (G; older notation c.213delG).
Protein change: p.Asn72fs; shifts the reading frame from asparagine 72.
Molecular consequence: frameshift variant. On other transcripts: intron variant (1).
Genome position (GRCh38, 1-based): chr10:89,245,692, C deleted on the plus strand (G on the coding strand, the reverse complement: LIPA is on the minus strand). VCF-style (leftmost placement, unchanged base first): chr10-89245691-TC-T. GRCh37 (hg19) VCF-style: chr10-91005448-TC-T.
Other names: c.213del, p.Asn72fs (NM_001127605.3); c.-120+6045del (NM_001288979.2); short protein forms N72fs.
Identifiers: ClinVar variation 3598509 (VCV003598509.2).

ClinVar aggregate classification (germline): Pathogenic/Likely pathogenic. Review status: criteria provided, multiple submitters, no conflicts (2 of 4 stars). 2 submissions from 2 submitters: Pathogenic (1); Likely pathogenic (1). Last evaluated 2024-08-20.

Conditions:
Lysosomal acid lipase deficiency. Also called: Acid cholesteryl ester hydrolase deficiency, type 2. Identifiers: Orphanet 275761, MedGen C5574740, MONDO:0800449, MONDO:0010204.
Wolman disease (WOLD). Also called: Wolman disease, CESD; Acid cholesteryl ester hydrolase deficiency, Wolman type; Acid lipase disease; LYSOSOMAL ACID LIPASE DEFICIENCY, ACUTE INFANTILE; LYSOSOMAL ACID LIPASE DEFICIENCY, COMPLETE; LIPA DEFICIENCY, COMPLETE. Identifiers: Orphanet 75233, MedGen C0043208, MONDO:0019148, OMIM 620151.
Cholesteryl ester storage disease (CESD). Also called: Childhood/Adult-Onset LAL-D (Cholesterol Ester Storage Disease [CESD]). Identifiers: Orphanet 75234, MedGen C0008384, MONDO:0019149, OMIM 278000.

Submissions (2):

Myriad Genetics, Inc.
Classification: Pathogenic for Lysosomal acid lipase deficiency. Last evaluated: 2024-08-20. Review status: criteria provided, single submitter. Criteria: Myriad Autosomal Dominant, Autosomal Recessive and X-Linked Classification Criteria (2023). Collection method: clinical testing. Allele origin: unknown.
Comment: NM_000235.2(LIPA):c.213delG(N72Tfs*89) is expected to be pathogenic in the context of lysosomal acid lipase deficiency. This variant is predicted to lead to an abnormal or absent protein product due to the creation of a premature termination codon in LIPA, a gene where loss-of-function variants are known to be pathogenic. Please note: this variant was assessed in the context of healthy population screening.

Fulgent Genetics
Classification: Likely pathogenic for Cholesteryl ester storage disease; Wolman disease. Last evaluated: 2024-01-29. Review status: criteria provided, single submitter. Criteria: ACMG Guidelines, 2015. Collection method: clinical testing. Allele origin: germline.